The following is an entry in ClinVar:

ClinVar aggregate classification (germline): Uncertain significance (1 of 4 stars; one submission).

gnomAD v4.1: 3 of 1,612,042 alleles (0.00019%); highest among the groups gnomAD compares: African/African-American, 0.0027%; no homozygotes.

Submission:

Labcorp Genetics (formerly Invitae), Labcorp
Classification: Uncertain significance. Last evaluated: 2025-06-12. Review status: criteria provided, single submitter. Criteria: Invitae Variant Classification Sherloc (09022015). Collection method: clinical testing. Allele origin: germline.
Comment: This sequence change replaces histidine, which is basic and polar, with tyrosine, which is neutral and polar, at codon 197 of the BPTF protein (p.His197Tyr). This variant is not present in population databases (gnomAD no frequency). This variant has not been reported in the literature in individuals affected with BPTF-related conditions. ClinVar contains an entry for this variant (Variation ID: 3717750). An algorithm developed to predict the effect of missense changes on protein structure and function (PolyPhen-2) suggests that this variant is likely to be disruptive. In summary, the available evidence is currently insufficient to determine the role of this variant in disease. Therefore, it has been classified as a Variant of Uncertain Significance.

NM_182641.4(BPTF):c.589C>T (p.His197Tyr)

Genes: BPTF (bromodomain PHD finger transcription factor; plus strand), LOC130061496 (ATAC-STARR-seq lymphoblastoid active region 12632; plus strand). Cytogenetic location: 17q24.2.
Variant type: single nucleotide variant.
Coding change: c.589C>T on transcript NM_182641.4 (MANE Select); coding-DNA position 589, C replaced by T.
Protein change: p.His197Tyr; replaces histidine 197 with tyrosine.
Molecular consequence: missense variant.
Genome position (GRCh38, 1-based): chr17:67,826,313, C>T. VCF-style: chr17-67826313-C-T. GRCh37 (hg19) VCF-style: chr17-65822429-C-T.
Other names: c.589C>T, p.His197Tyr (NM_004459.7); short protein forms H197Y.
Identifiers: ClinVar variation 3717750 (VCV003717750.2).